The following is an entry in ClinVar:

ClinVar aggregate classification (germline): Uncertain significance (1 of 4 stars; one submission).

Conditions:
Epidermodysplasia verruciformis. Identifiers: Orphanet 302, MedGen C0014522, MONDO:0009176.

Submission:

Labcorp Genetics (formerly Invitae), Labcorp
Classification: Uncertain significance for Epidermodysplasia verruciformis. Last evaluated: 2022-03-18. Review status: criteria provided, single submitter. Criteria: Invitae Variant Classification Sherloc (09022015). Collection method: clinical testing. Allele origin: germline.
Comment: This sequence change replaces glutamic acid, which is acidic and polar, with valine, which is neutral and non-polar, at codon 19 of the TMC8 protein (p.Glu19Val). In summary, the available evidence is currently insufficient to determine the role of this variant in disease. Therefore, it has been classified as a Variant of Uncertain Significance. Algorithms developed to predict the effect of missense changes on protein structure and function are either unavailable or do not agree on the potential impact of this missense change (SIFT: "Tolerated"; PolyPhen-2: "Possibly Damaging"; Align-GVGD: "Class C0"). This variant has not been reported in the literature in individuals affected with TMC8-related conditions. This variant is not present in population databases (gnomAD no frequency).

NM_152468.5(TMC8):c.56A>T (p.Glu19Val)

Genes: TMC6 (transmembrane channel like 6; minus strand), TMC8 (transmembrane channel like 8; plus strand), LOC130061792 (ATAC-STARR-seq lymphoblastoid silent region 9043; plus strand). Cytogenetic location: 17q25.3.
Variant type: single nucleotide variant.
Coding change: c.56A>T on transcript NM_152468.5 (MANE Select); coding-DNA position 56, A replaced by T.
Protein change: p.Glu19Val; replaces glutamic acid 19 with valine.
Molecular consequence: missense variant. On other transcripts: intron variant (1).
Genome position (GRCh38, 1-based): chr17:78,131,644, A>T. VCF-style: chr17-78131644-A-T. GRCh37 (hg19) VCF-style: chr17-76127725-A-T.
Other names: c.-75+697T>A (NM_007267.7); short protein forms E19V.
Identifiers: ClinVar variation 2113443 (VCV002113443.4), dbSNP rs2510742170, ClinGen allele CA401238854.